The following is an entry in ClinVar:

ClinVar aggregate classification (germline): Pathogenic/Likely pathogenic. Review status: criteria provided, multiple submitters, no conflicts (2 of 4 stars). 2 submissions from 2 submitters: Pathogenic (1); Likely pathogenic (1). Last evaluated 2022-11-24.

Conditions:
Alagille syndrome due to a JAG1 point mutation. Also called: JAG1-Related Alagille Syndrome; Alagille Syndrome 1; HEPATIC DUCTULAR HYPOPLASIA, SYNDROMATIC. Identifiers: Orphanet 261619, Orphanet 52, MedGen C1956125, MONDO:0016862, OMIM 118450.

Submissions (2):

Labcorp Genetics (formerly Invitae), Labcorp
Classification: Likely pathogenic for Alagille syndrome due to a JAG1 point mutation. Last evaluated: 2022-11-24. Review status: criteria provided, single submitter. Criteria: Invitae Variant Classification Sherloc (09022015). Collection method: clinical testing. Allele origin: germline.
Comment: This variant results in the deletion of part of exon 3 (c.438_439+2del) of the JAG1 gene. It is expected to disrupt RNA splicing. Variants that disrupt the donor or acceptor splice site typically lead to a loss of protein function (PMID: 16199547), and loss-of-function variants in JAG1 are known to be pathogenic (PMID: 11180599). This variant is not present in population databases (gnomAD no frequency). This variant has been observed in individual(s) with Alagille syndrome (PMID: 21752016, 31343788). ClinVar contains an entry for this variant (Variation ID: 1702657). Algorithms developed to predict the effect of sequence changes on RNA splicing suggest that this variant may disrupt the consensus splice site. In summary, the currently available evidence indicates that the variant is pathogenic, but additional data are needed to prove that conclusively. Therefore, this variant has been classified as Likely Pathogenic.

GeneDx
Classification: Pathogenic. Last evaluated: 2022-08-18. Review status: criteria provided, single submitter. Criteria: GeneDx Variant Classification Process June 2021. Collection method: clinical testing. Allele origin: germline. Affected: yes.
Comment: Identified in a patient belonging to an Alagille syndrome cohort in published literature (Guegan et al., 2012); Canonical splice site variant predicted to result in a null allele in a gene for which loss of function is a known mechanism of disease; Not observed at significant frequency in large population cohorts (gnomAD); This variant is associated with the following publications: (PMID: 21752016)

Literature cited by the submitters: PubMed 16199547 (cited by Labcorp Genetics (formerly Invitae), Labcorp); PubMed 11180599 (cited by Labcorp Genetics (formerly Invitae), Labcorp); PubMed 21752016 (cited by Labcorp Genetics (formerly Invitae), Labcorp); PubMed 31343788 (cited by Labcorp Genetics (formerly Invitae), Labcorp).

NM_000214.3(JAG1):c.438_439+2del

Gene: JAG1 (jagged canonical Notch ligand 1; minus strand). Cytogenetic location: 20p12.2.
Variant type: Deletion.
Coding change: c.438_439+2del on transcript NM_000214.3 (MANE Select); coding-DNA position 438 through the canonical splice donor site of the intron after coding-DNA position 439, 4 bases deleted (TCGT; older notation c.438_439+2delTCGT).
Molecular consequence: splice donor variant.
Genome position (GRCh38, 1-based): chr20:10,663,961-10,663,964, ACGA deleted on the plus strand (TCGT on the coding strand, the reverse complement: JAG1 is on the minus strand); deleting any 4 consecutive bases within chr20:10,663,961-10,663,967 gives the same sequence; the c. name uses the placement nearest the transcript's 3' end. VCF-style (leftmost placement, unchanged base first): chr20-10663960-TACGA-T. GRCh37 (hg19) VCF-style: chr20-10644608-TACGA-T.
Identifiers: ClinVar variation 1702657 (VCV001702657.5), dbSNP rs2122632102, ClinGen allele CA2580097848.